The following is an entry in ClinVar:

NM_000222.3(KIT):c.719G>C (p.Ser240Thr)

Gene: KIT (KIT proto-oncogene, receptor tyrosine kinase; plus strand). Cytogenetic location: 4q12.
Variant type: single nucleotide variant.
Coding change: c.719G>C on transcript NM_000222.3 (MANE Select); coding-DNA position 719, G replaced by C.
Protein change: p.Ser240Thr; replaces serine 240 with threonine.
Molecular consequence: missense variant.
Genome position (GRCh38, 1-based): chr4:54,699,729, G>C. VCF-style: chr4-54699729-G-C. GRCh37 (hg19) VCF-style: chr4-55565895-G-C.
Other names: c.719G>C, p.Ser240Thr (NM_001093772.2, NM_001385284.1, NM_001385285.1 and 4 more transcripts); short protein forms S240T.
Identifiers: ClinVar variation 4774041 (VCV004774041.1).

ClinVar aggregate classification (germline): Uncertain significance (1 of 4 stars; one submission).

Conditions:
Gastrointestinal stromal tumor. Also called: Gastrointestinal stroma tumor; Gastrointestinal stromal tumor, somatic. Identifiers: Orphanet 44890, MedGen C0238198, MeSH D046152, MONDO:0011719, OMIM 606764, HP:0100723.

gnomAD v4.1: 1 of 1,614,020 alleles (0.000062%); highest among the groups gnomAD compares: South Asian, 0.0011%; no homozygotes.

Submission:

Labcorp Genetics (formerly Invitae), Labcorp
Classification: Uncertain significance for Gastrointestinal stromal tumor. Last evaluated: 2025-05-11. Review status: criteria provided, single submitter. Criteria: Invitae Variant Classification Sherloc (09022015). Collection method: clinical testing. Allele origin: germline.
Comment: This sequence change replaces serine, which is neutral and polar, with threonine, which is neutral and polar, at codon 240 of the KIT protein (p.Ser240Thr). This variant is not present in population databases (gnomAD no frequency). This variant has not been reported in the literature in individuals affected with KIT-related conditions. An algorithm developed to predict the effect of missense changes on protein structure and function outputs the following: PolyPhen-2: "Benign". The threonine amino acid residue is found in multiple mammalian species, which suggests that this missense change does not adversely affect protein function. In summary, the available evidence is currently insufficient to determine the role of this variant in disease. Therefore, it has been classified as a Variant of Uncertain Significance.